The following is an entry in ClinVar:

ClinVar aggregate classification (germline): Likely benign (1 of 4 stars; one submission).

Allele frequency attached by ClinVar (database versions not stated): gnomAD exomes below 0.00001; TOPMed below 0.00001; ExAC 0.49184.
gnomAD v4.1: 1 of 1,581,108 alleles (0.000063%); highest among the groups gnomAD compares: Non-Finnish European, 0.000086%; no homozygotes.

Submission:

Laboratory for Molecular Medicine, Mass General Brigham Personalized Medicine
Classification: Likely benign. Last evaluated: 2013-06-13. Review status: criteria provided, single submitter. Criteria: LMM Criteria. Collection method: clinical testing. Allele origin: germline. Observed: 4 variant alleles.
Comment: p.Ala1066Ala in exon 25 of MUC5B: This variant is not expected to have clinical significance because it does not alter an amino acid residue and is not located within the splice consensus sequence

NM_002458.3(MUC5B):c.3198A>G (p.Ala1066=)

Gene: MUC5B (mucin 5B, oligomeric mucus/gel-forming; plus strand). Cytogenetic location: 11p15.5.
Variant type: single nucleotide variant.
Coding change: c.3198A>G on transcript NM_002458.3 (MANE Select); coding-DNA position 3198, A replaced by G.
Protein change: p.Ala1066=; no amino-acid change (alanine 1066 retained).
Molecular consequence: synonymous variant.
Genome position (GRCh38, 1-based): chr11:1,237,065, A>G. VCF-style: chr11-1237065-A-G. GRCh37 (hg19) VCF-style: chr11-1258295-A-G.
Identifiers: ClinVar variation 163999 (VCV000163999.4), dbSNP rs79118814, ClinGen allele CA176761.
Genomic context (GRCh38, chr11:1,237,065, plus strand): 5'-GGACGCACTGGAGTTTGGGAACAGCTGGAAGCTCTCCCCCTCCTGCCCGGACGCCCTGGC[A>G]CCCAAGGACCCCTGCACGGCCAACCCCTTCCGCAAGTCCTGGGCCCAGAAGCAGTGCAGC-3'
Protein context (NP_002449.2, residues 1056-1076): KLSPSCPDAL[Ala1066=]PKDPCTANPF